The following is an entry in ClinVar:

NM_000548.5(TSC2):c.3377A>G (p.Asp1126Gly)

Gene: TSC2 (TSC complex subunit 2; plus strand). Cytogenetic location: 16p13.3.
Variant type: single nucleotide variant.
Coding change: c.3377A>G on transcript NM_000548.5 (MANE Select); coding-DNA position 3377, A replaced by G.
Protein change: p.Asp1126Gly; replaces aspartic acid 1126 with glycine.
Molecular consequence: missense variant.
Genome position (GRCh38, 1-based): chr16:2,079,649, A>G. VCF-style: chr16-2079649-A-G. GRCh37 (hg19) VCF-style: chr16-2129650-A-G.
Other names: c.3245A>G, p.Asp1082Gly (NM_001077183.3, NM_001370404.1); c.3377A>G, p.Asp1126Gly (NM_001114382.3); c.3137A>G, p.Asp1046Gly (NM_001318827.2); c.3101A>G, p.Asp1034Gly (NM_001318829.2); c.2645A>G, p.Asp882Gly (NM_001318831.2); c.3278A>G, p.Asp1093Gly (NM_001318832.2); c.3248A>G, p.Asp1083Gly (NM_001363528.2, NM_001370405.1, NM_021055.3); short protein forms D1034G, D1126G, D1046G, D1082G, D1083G, D1093G, D882G.
Identifiers: ClinVar variation 1364282 (VCV001364282.8), dbSNP rs397514945, ClinGen allele CA394286713.

ClinVar aggregate classification (germline): Uncertain significance (1 of 4 stars; one submission).

Conditions:
Tuberous sclerosis 2 (TSC2). Identifiers: Orphanet 805, MedGen C1860707, MONDO:0013199, OMIM 613254.

Submission:

Labcorp Genetics (formerly Invitae), Labcorp
Classification: Uncertain significance for Tuberous sclerosis 2. Last evaluated: 2024-12-28. Review status: criteria provided, single submitter. Criteria: Invitae Variant Classification Sherloc (09022015). Collection method: clinical testing. Allele origin: germline.
Comment: This sequence change replaces aspartic acid, which is acidic and polar, with glycine, which is neutral and non-polar, at codon 1126 of the TSC2 protein (p.Asp1126Gly). This variant is not present in population databases (gnomAD no frequency). This variant has not been reported in the literature in individuals affected with TSC2-related conditions. ClinVar contains an entry for this variant (Variation ID: 1364282). Invitae Evidence Modeling of protein sequence and biophysical properties (such as structural, functional, and spatial information, amino acid conservation, physicochemical variation, residue mobility, and thermodynamic stability) indicates that this missense variant is not expected to disrupt TSC2 protein function with a negative predictive value of 95%. Algorithms developed to predict the effect of sequence changes on RNA splicing suggest that this variant may disrupt the consensus splice site. In summary, the available evidence is currently insufficient to determine the role of this variant in disease. Therefore, it has been classified as a Variant of Uncertain Significance.